The following is an entry in ClinVar:

ClinVar aggregate classification (germline): Conflicting classifications of pathogenicity. Review status: criteria provided, conflicting classifications (1 of 4 stars). 2 submissions from 2 submitters: Uncertain significance (1); Likely benign (1). Last evaluated 2025-03-19.

Conditions:
Developmental and epileptic encephalopathy, 1 (DEE1). Also called: X-linked infantile spasms; West's syndrome; Tonic spasms with clustering, arrest of psychomotor development and hypsarrhythmia on EEG; X-Linked Infantile Spasm Syndrome; OHTAHARA SYNDROME, X-LINKED; INFANTILE SPASM SYNDROME, X-LINKED 1. Identifiers: MedGen C3463992, MONDO:0010632, OMIM 308350. Disease mechanism: loss of function.
Intellectual disability, X-linked, with or without seizures, ARX-related. Also called: INTELLECTUAL DEVELOPMENTAL DISORDER, X-LINKED 29; Mental retardation, X-linked 52; MENTAL RETARDATION, X-LINKED 29; MENTAL RETARDATION, X-LINKED 32; MENTAL RETARDATION, X-LINKED 33; MENTAL RETARDATION, X-LINKED 38. Identifiers: Orphanet 777, MedGen C0796244, MONDO:0010317, OMIM 300419.

Submissions (2):

Labcorp Genetics (formerly Invitae), Labcorp
Classification: Uncertain significance for Developmental and epileptic encephalopathy, 1; Intellectual disability, X-linked, with or without seizures, ARX-related. Last evaluated: 2025-03-19. Review status: criteria provided, single submitter. Criteria: Invitae Variant Classification Sherloc (09022015). Collection method: clinical testing. Allele origin: germline.
Comment: This sequence change replaces proline, which is neutral and non-polar, with arginine, which is basic and polar, at codon 53 of the ARX protein (p.Pro53Arg). This variant is not present in population databases (gnomAD no frequency). This variant has not been reported in the literature in individuals affected with ARX-related conditions. ClinVar contains an entry for this variant (Variation ID: 663519). Invitae Evidence Modeling of protein sequence and biophysical properties (such as structural, functional, and spatial information, amino acid conservation, physicochemical variation, residue mobility, and thermodynamic stability) indicates that this missense variant is not expected to disrupt ARX protein function with a negative predictive value of 95%. In summary, the available evidence is currently insufficient to determine the role of this variant in disease. Therefore, it has been classified as a Variant of Uncertain Significance.

Laboratory of Genetics, Children's Clinical University Hospital Latvia
Classification: Likely benign. Last evaluated: 2025-02-16. Review status: criteria provided, single submitter. Criteria: ACMG Guidelines, 2015. Collection method: clinical testing. Allele origin: germline. Affected: yes.

NM_139058.3(ARX):c.158C>G (p.Pro53Arg)

Gene: ARX (aristaless related homeobox; minus strand). Cytogenetic location: Xp21.3.
Variant type: single nucleotide variant.
Coding change: c.158C>G on transcript NM_139058.3 (MANE Select); coding-DNA position 158, C replaced by G.
Protein change: p.Pro53Arg; replaces proline 53 with arginine.
Molecular consequence: missense variant.
Genome position (GRCh38, 1-based): chrX:25,015,580, G>C on the plus strand (C>G on the coding strand, the complement: ARX is on the minus strand). VCF-style: chrX-25015580-G-C. GRCh37 (hg19) VCF-style: chrX-25033697-G-C.
Other names: short protein forms P53R.
Identifiers: ClinVar variation 663519 (VCV000663519.10), dbSNP rs1329228660, ClinGen allele CA412613770.
Genomic context (GRCh38, chrX:25,015,580, plus strand): 5'-TGCCTGACGGGAGCATCCTTACCTTGCACGGCCTTTTCCGGGTCGGCGCGGCTGGTCAGC[G>C]GAGCAGGCAAGCTCTGCGCGGCTCCCAGCAACCGCATTTTGCACGGGCTCCTCCGGCCCA-3'
Protein context (NP_620689.1, residues 43-63): LLGAAQSLPA[Pro53Arg]LTSRADPEKA